The following is an entry in ClinVar:

NM_014495.4(ANGPTL3):c.69T>C (p.Asn23=)

Genes: ANGPTL3 (angiopoietin like 3; plus strand), DOCK7 (dedicator of cytokinesis 7; minus strand). Cytogenetic location: 1p31.3.
Variant type: single nucleotide variant.
Coding change: c.69T>C on transcript NM_014495.4 (MANE Select); coding-DNA position 69, T replaced by C.
Protein change: p.Asn23=; no amino-acid change (asparagine 23 retained).
Molecular consequence: synonymous variant. On other transcripts: intron variant (7).
Genome position (GRCh38, 1-based): chr1:62,597,635, T>C. VCF-style: chr1-62597635-T-C. GRCh37 (hg19) VCF-style: chr1-63063306-T-C.
Other names: c.1683-11011A>G (NM_001272001.2, NM_001272000.2, NM_033407.4 and 4 more transcripts).
Identifiers: ClinVar variation 3032322 (VCV003032322.2), dbSNP rs763902658, ClinGen allele CA886504.

ClinVar aggregate classification (germline): Likely benign (0 of 4 stars; one submission).

Conditions:
ANGPTL3-related disorder. Also called: ANGPTL3-related condition.

Allele frequency attached by ClinVar (database versions not stated): ExAC 0.00001; gnomAD exomes 0.00001.
gnomAD v4.1: 5 of 1,613,328 alleles (0.00031%); highest among the groups gnomAD compares: Admixed American, 0.0067%; no homozygotes.

Submission:

PreventionGenetics, part of Exact Sciences
Classification: Likely benign for ANGPTL3-related condition. Last evaluated: 2020-11-23. Review status: no assertion criteria provided. Collection method: clinical testing. Allele origin: germline.
Comment: This variant is classified as likely benign based on ACMG/AMP sequence variant interpretation guidelines (Richards et al. 2015 PMID: 25741868, with internal and published modifications).